The following is an entry in ClinVar:

ClinVar aggregate classification (germline): Pathogenic (1 of 4 stars; one submission).

Conditions:
Gorlin syndrome. Also called: Basal cell nevus syndrome; Nevoid Basal Cell Carcinoma Syndrome. Identifiers: Orphanet 377, MedGen C0004779, MONDO:0007187.

Submission:

Labcorp Genetics (formerly Invitae), Labcorp
Classification: Pathogenic for Gorlin syndrome. Last evaluated: 2020-08-20. Review status: criteria provided, single submitter. Criteria: Invitae Variant Classification Sherloc (09022015). Collection method: clinical testing. Allele origin: germline.
Comment: For these reasons, this variant has been classified as Pathogenic. Loss-of-function variants in PTCH1 are known to be pathogenic (PMID: 16301862, 16419085). This variant has not been reported in the literature in individuals with PTCH1-related conditions. This variant is not present in population databases (ExAC no frequency). This sequence change creates a premature translational stop signal (p.Ile271*) in the PTCH1 gene. It is expected to result in an absent or disrupted protein product.

Literature cited by the submitters: PubMed 16301862; PubMed 16419085.

NM_000264.5(PTCH1):c.811del (p.Lys270_Ile271insTer)

Gene: PTCH1 (patched 1; minus strand). Cytogenetic location: 9q22.32.
Variant type: Deletion.
Coding change: c.811del on transcript NM_000264.5 (MANE Select); coding-DNA position 811, one base deleted (A; older notation c.811delA).
Protein change: p.Lys270_Ile271insTer.
Molecular consequence: nonsense. On other transcripts: non-coding transcript variant (1).
Genome position (GRCh38, 1-based): chr9:95,480,524, T deleted on the plus strand (A on the coding strand, the reverse complement: PTCH1 is on the minus strand); the first of 4 consecutive T bases (chr9:95,480,524-95,480,527); deleting any one gives the same sequence. VCF-style (leftmost placement, unchanged base first): chr9-95480523-AT-A. GRCh37 (hg19) VCF-style: chr9-98242805-AT-A.
Other names: c.613del, p.Lys204_Ile205insTer (NM_001083602.3); c.808del, p.Lys269_Ile270insTer (NM_001083603.3); c.358del, p.Lys119_Ile120insTer (NM_001083604.3, NM_001083605.3, NM_001083606.3 and 1 more transcripts); c.811del, p.Lys270_Ile271insTer (NM_001354918.2).
Identifiers: ClinVar variation 1076489 (VCV001076489.9), dbSNP rs2118423280, ClinGen allele CA2499220082.
Genomic context (GRCh38, chr9:95,480,523, plus strand): 5'-TAACCATGACCAACCTCAGCCTTATTCAGCATTTCCTCCCAGCTGTCCACTTGATAGTTT[AT>A]TTTCTTTAACTCTTCCAGGAATTCCAAAGGGTCGAAGTTTGTCCACCGCAAAGGAGGTTT-3'